The following is an entry in ClinVar:

ClinVar aggregate classification (germline): Pathogenic (1 of 4 stars; one submission).

Conditions:
Spermatogenic failure 18. Identifiers: MedGen C4539783, MONDO:0054615, OMIM 617576.
Ciliary dyskinesia, primary, 37 (CILD37). Also called: CILIARY DYSKINESIA, PRIMARY, 37, WITH OR WITHOUT SITUS INVERSUS. Identifiers: MedGen C4539798, MONDO:0033204, OMIM 617577.

Submission:

Labcorp Genetics (formerly Invitae), Labcorp
Classification: Pathogenic for Ciliary dyskinesia, primary, 37; Spermatogenic failure 18. Last evaluated: 2023-07-20. Review status: criteria provided, single submitter. Criteria: Invitae Variant Classification Sherloc (09022015). Collection method: clinical testing. Allele origin: germline.
Comment: This sequence change creates a premature translational stop signal (p.Lys1062Glnfs*11) in the DNAH1 gene. It is expected to result in an absent or disrupted protein product. Loss-of-function variants in DNAH1 are known to be pathogenic (PMID: 27573432, 27798045). This variant is not present in population databases (gnomAD no frequency). This variant has not been reported in the literature in individuals affected with DNAH1-related conditions. For these reasons, this variant has been classified as Pathogenic.

Literature cited by the submitters: PubMed 27573432; PubMed 27798045.

NM_015512.5(DNAH1):c.3183dup (p.Lys1062fs)

Gene: DNAH1 (dynein axonemal heavy chain 1; plus strand). Cytogenetic location: 3p21.1.
Variant type: Duplication.
Coding change: c.3183dup on transcript NM_015512.5 (MANE Select); coding-DNA position 3183, one base duplicated (C; older notation c.3183dupC).
Protein change: p.Lys1062fs; shifts the reading frame from lysine 1062.
Molecular consequence: frameshift variant.
Genome position (GRCh38, 1-based): chr3:52,353,258, C duplicated. VCF-style (leftmost placement, unchanged base first): chr3-52353257-T-TC. GRCh37 (hg19) VCF-style: chr3-52387273-T-TC.
Other names: short protein forms K1062fs.
Identifiers: ClinVar variation 2947508 (VCV002947508.3), dbSNP rs2471189312, ClinGen allele CA2740094470.